The following is an entry in ClinVar:

ClinVar aggregate classification (germline): Uncertain significance. Review status: criteria provided, multiple submitters, no conflicts (2 of 4 stars). 2 submissions from 2 submitters: Uncertain significance (2). Last evaluated 2025-11-11.

Conditions:
Hereditary cancer-predisposing syndrome. Also called: Hereditary Cancer Syndrome; Hereditary neoplastic syndrome; Neoplastic Syndromes, Hereditary; Tumor predisposition. Identifiers: Orphanet 140162, MedGen C0027672, MeSH D009386, MONDO:0015356.

Submissions (2):

Color Diagnostics, LLC DBA Color Health
Classification: Uncertain significance for Hereditary cancer-predisposing syndrome. Last evaluated: 2025-11-11. Review status: criteria provided, single submitter. Criteria: ACMG Guidelines, 2015. Collection method: clinical testing. Allele origin: germline.
Comment: This missense variant replaces serine with phenylalanine at codon 394 of the MSH6 protein. Computational prediction suggests that this variant may not impact protein structure and function. To our knowledge, functional studies have not been reported for this variant. This variant has not been reported in individuals affected with MSH6-related disorders in the literature. This variant has been identified in 4/1614058 chromosomes in the general population by the Genome Aggregation Database (gnomAD). The available evidence is insufficient to determine the role of this variant in disease conclusively. Therefore, this variant is classified as a Variant of Uncertain Significance.

Ambry Genetics
Classification: Uncertain significance for Hereditary cancer-predisposing syndrome. Last evaluated: 2025-04-14. Review status: criteria provided, single submitter. Criteria: Ambry Variant Classification Scheme 2023. Collection method: clinical testing. Allele origin: germline.
Comment: The p.S394F variant (also known as c.1181C>T), located in coding exon 4 of the MSH6 gene, results from a C to T substitution at nucleotide position 1181. The serine at codon 394 is replaced by phenylalanine, an amino acid with highly dissimilar properties. This amino acid position is not well conserved in available vertebrate species. In addition, the in silico prediction for this alteration is inconclusive. Based on the available evidence, the clinical significance of this variant remains unclear.

NM_000179.3(MSH6):c.1181C>T (p.Ser394Phe)

Gene: MSH6 (mutS homolog 6; plus strand). Cytogenetic location: 2p16.3.
Variant type: single nucleotide variant.
Coding change: c.1181C>T on transcript NM_000179.3 (MANE Select); coding-DNA position 1181, C replaced by T.
Protein change: p.Ser394Phe; replaces serine 394 with phenylalanine.
Molecular consequence: missense variant. On other transcripts: non-coding transcript variant (4), intron variant (1).
Genome position (GRCh38, 1-based): chr2:47,799,164, C>T. VCF-style: chr2-47799164-C-T. GRCh37 (hg19) VCF-style: chr2-48026303-C-T.
Other names: c.275C>T, p.Ser92Phe (NM_001406812.1, NM_001406814.1, NM_001406815.1 and 6 more transcripts); c.1187C>T, p.Ser396Phe (NM_001406813.1); c.1181C>T, p.Ser394Phe (NM_001406817.1, NM_001406796.1, NM_001406798.1 and 4 more transcripts); c.884C>T, p.Ser295Phe (NM_001406818.1, NM_001406819.1, NM_001406820.1 and 10 more transcripts); c.1013C>T, p.Ser338Phe (NM_001406826.1); c.628-1502C>T (NM_001407362.1); c.791C>T, p.Ser264Phe (NM_001281492.2); c.1277C>T, p.Ser426Phe (NM_001406795.1, NM_001406802.1); and 2 more; short protein forms S264F, S92F, S219F, S295F, S396F, S338F, S368F, S394F.
Identifiers: ClinVar variation 3913699 (VCV003913699.2).